The following is an entry in ClinVar:

NM_033026.6(PCLO):c.12754C>A (p.Gln4252Lys)

Gene: PCLO (piccolo presynaptic cytomatrix protein; minus strand). Cytogenetic location: 7q21.11.
Variant type: single nucleotide variant.
Coding change: c.12754C>A on transcript NM_033026.6 (MANE Select); coding-DNA position 12754, C replaced by A.
Protein change: p.Gln4252Lys; replaces glutamine 4252 with lysine.
Molecular consequence: missense variant.
Genome position (GRCh38, 1-based): chr7:82,915,232, G>T on the plus strand (C>A on the coding strand, the complement: PCLO is on the minus strand). VCF-style: chr7-82915232-G-T. GRCh37 (hg19) VCF-style: chr7-82544548-G-T.
Other names: c.12754C>A, p.Gln4252Lys (NM_014510.3); short protein forms Q4252K.
Identifiers: ClinVar variation 4690396 (VCV004690396.1).
Genomic context (GRCh38, chr7:82,915,232, plus strand): 5'-GTATGGTATTTCCTAATGTGCCCAGTCCTGTGCCAAGAGAAGATCCCATAAATTTTTGTT[G>T]GTCTGTAATATTTTTTCTGAGGCCAAAAGTGATGTCATCTTGAAGGAGCCTTGCCCTGGA-3'
Protein context (NP_149015.2, residues 4242-4262): TFGLRKNITD[Gln4252Lys]QKFMGSSLGT

ClinVar aggregate classification (germline): Uncertain significance (1 of 4 stars; one submission).

Submission:

Labcorp Genetics (formerly Invitae), Labcorp
Classification: Uncertain significance. Last evaluated: 2025-11-24. Review status: criteria provided, single submitter. Criteria: Invitae Variant Classification Sherloc (09022015). Collection method: clinical testing. Allele origin: germline.
Comment: This sequence change replaces glutamine, which is neutral and polar, with lysine, which is basic and polar, at codon 4252 of the PCLO protein (p.Gln4252Lys). This variant is present in population databases (rs756396184, gnomAD 0.01%). This variant has not been reported in the literature in individuals affected with PCLO-related conditions. Experimental studies and prediction algorithms are not available or were not evaluated, and the functional significance of this variant is currently unknown. In summary, the available evidence is currently insufficient to determine the role of this variant in disease. Therefore, it has been classified as a Variant of Uncertain Significance.